The following is an entry in ClinVar:

NM_014270.5(SLC7A9):c.749G>A (p.Arg250Lys)

Gene: SLC7A9 (solute carrier family 7 member 9; minus strand). Cytogenetic location: 19q13.11.
Variant type: single nucleotide variant.
Coding change: c.749G>A on transcript NM_014270.5 (MANE Select); coding-DNA position 749, G replaced by A.
Protein change: p.Arg250Lys; replaces arginine 250 with lysine.
Molecular consequence: missense variant.
Genome position (GRCh38, 1-based): chr19:32,860,606, C>T on the plus strand (G>A on the coding strand, the complement: SLC7A9 is on the minus strand). VCF-style: chr19-32860606-C-T. GRCh37 (hg19) VCF-style: chr19-33351512-C-T.
Other names: c.749G>A, p.Arg250Lys (NM_001126335.2, NM_001243036.2); short protein forms R250K.
Identifiers: ClinVar variation 3376792 (VCV003376792.2).
Genomic context (GRCh38, chr19:32,860,606, plus strand): 5'-ACCAGGAGAAGAGAAATCAGGCTGCCCGGCTACTGTCCTCTGCACTGATTCAGCTGTTAC[C>T]TGTAAGGGTTTCTAAGTTCTTCTGTGATGTAATTGAGTTGATTCCTGGAAAAAGGAAAGT-3'
Protein context (NP_055085.1, residues 240-260): YITEELRNPY[Arg250Lys]NLPLAIIIGI

ClinVar aggregate classification (germline): Likely pathogenic. Review status: criteria provided, multiple submitters, no conflicts (2 of 4 stars). 2 submissions from 2 submitters: Likely pathogenic (2). Last evaluated 2024-01-22.

Conditions:
Cystinuria (CSNU). Also called: CYSTINURIA, TYPE I; CYSTINURIA, TYPE II; CYSTINURIA, TYPE III; Cystinuria, non-type I. Identifiers: Orphanet 214, MedGen C0010691, MONDO:0009067, OMIM 220100, HP:0003131.

gnomAD v4.1: 12 of 1,614,164 alleles (0.00074%); highest among the groups gnomAD compares: Non-Finnish European, 0.001%; no homozygotes.

Submissions (2):

Fulgent Genetics
Classification: Likely pathogenic for Cystinuria. Last evaluated: 2024-01-22. Review status: criteria provided, single submitter. Criteria: ACMG Guidelines, 2015. Collection method: clinical testing. Allele origin: germline.

Victorian Clinical Genetics Services, Murdoch Childrens Research Institute
Classification: Likely pathogenic for Cystinuria. Last evaluated: 2023-07-17. Review status: criteria provided, single submitter. Criteria: ACMG Guidelines, 2015. Collection method: clinical testing. Allele origin: germline. Affected: yes.
Comment: Based on the classification scheme VCGS_Germline_v1.3.4, this variant is classified as Likely pathogenic. Following criteria are met: 0102 - Loss of function is a known mechanism of disease in this gene and is associated with cystinuria (MIM#220100). (I) 0108 - This gene is associated with both recessive and dominant disease. Some heterozygous variants have been reported to result in a milder phenotype (OMIM, PMID: 11157794). (I) 0112 - The condition associated with this gene has incomplete penetrance. Autosomal dominant cystinuria has been reported to have incomplete penetrance (PMID: 25964309). (I) 0200 - Variant is predicted to result in a missense amino acid change from arginine to lysine. This variant is also in a splice region, as it is located at the last nucleotide of an exon. (I) 0251 - This variant is heterozygous. (I) 0304 - Variant is present in gnomAD (v2) <0.01 (2 heterozygotes, 0 homozygotes). (SP) 0309 - An alternative amino acid change at the same position has been observed in gnomAD (v3) (1 heterozygote, 0 homozygotes). (I) 0505 - Abnormal splicing is predicted by in silico tools and affected nucleotide is highly conserved. In silico predictions regarding the amino acid substitution are conflicting and the amino acid at this position is highly conserved. (SP) 0600 - Variant is located in the annotated amino acid permease domain (DECIPHER). (I) 0705 - No comparable missense variants have previous evidence for pathogenicity. (I) 0803 - This variant has limited previous evidence of pathogenicity in unrelated individuals. This variant has been observed as compound heterozygous with a frameshift variant in two brothers with cystinuria, and with another missense variant in another unrelated individual with cystinuria (PMIDs: 19782624, 28646536). (SP) 1007 - No published functional evidence has been identified for this variant. (I) 1101 - Very strong and specific phenotype match for this individual. (SP) 1208 - Inheritance information for this variant is not currently available in this individual. (I) Legend: (SP) - Supporting pathogenic, (I) - Information, (SB) - Supporting benign

Literature cited by the submitters: PubMed 11157794 (cited by Victorian Clinical Genetics Services, Murdoch Childrens Research Institute); PubMed 19782624 (cited by Victorian Clinical Genetics Services, Murdoch Childrens Research Institute); PubMed 25964309 (cited by Victorian Clinical Genetics Services, Murdoch Childrens Research Institute); PubMed 28646536 (cited by Victorian Clinical Genetics Services, Murdoch Childrens Research Institute).